The following is an entry in ClinVar:

NM_015046.7(SETX):c.7738G>A (p.Val2580Ile)

Gene: SETX (senataxin; minus strand). Cytogenetic location: 9q34.13.
Variant type: single nucleotide variant.
Coding change: c.7738G>A on transcript NM_015046.7 (MANE Select); coding-DNA position 7738, G replaced by A.
Protein change: p.Val2580Ile; replaces valine 2580 with isoleucine.
Molecular consequence: missense variant.
Genome position (GRCh38, 1-based): chr9:132,264,535, C>T on the plus strand (G>A on the coding strand, the complement: SETX is on the minus strand). VCF-style: chr9-132264535-C-T. GRCh37 (hg19) VCF-style: chr9-135139922-C-T.
Other names: c.7738G>A, p.Val2580Ile (NM_001351527.2); c.7825G>A, p.Val2609Ile (NM_001351528.2); short protein forms V2580I, V2609I.
Identifiers: ClinVar variation 448349 (VCV000448349.6), dbSNP rs370366576, ClinGen allele CA5296340.
Genomic context (GRCh38, chr9:132,264,535, plus strand): 5'-GGCTGCTCAGAGCAGCCACTACAGCAGCGGGCTGCTGTATATGGCTCAGGTCCTGGTGAA[C>T]GACAGGGAAGCCCGGCTCGCCCGTAGGAGGTGTTGCTCCAGGATGCTGGGGGCTCGAGGG-3'
Protein context (NP_055861.3, residues 2570-2590): PPTGEPGFPV[Val2580Ile]HQDLSHIQQP

ClinVar aggregate classification (germline): Conflicting classifications of pathogenicity. Review status: criteria provided, conflicting classifications (1 of 4 stars). 5 submissions from 4 submitters: Uncertain significance (3); Benign (1); Likely benign (1). Last evaluated 2024-12-24.

Conditions:
Inborn genetic diseases. Identifiers: MedGen C0950123, MeSH D030342.
Amyotrophic lateral sclerosis type 4 (ALS4). Also called: NEURONOPATHY, DISTAL HEREDITARY MOTOR, WITH PYRAMIDAL FEATURES; AMYOTROPHIC LATERAL SCLEROSIS 4, JUVENILE. Identifiers: Orphanet 357043, MedGen C1865409, MONDO:0011223, OMIM 602433.
Spinocerebellar ataxia, autosomal recessive, with axonal neuropathy 2 (SCAN2). Also called: ATAXIA-OCULOMOTOR APRAXIA 2; Ataxia with Oculomotor Apraxia Type 2; Ataxia with Oculomotor Apraxia; Ataxia-ocular apraxia-2. Identifiers: Orphanet 64753, MedGen C1853761, MONDO:0018996, OMIM 606002.

Allele frequency attached by ClinVar (database versions not stated): ESP Exome Variant Server 0.00008; gnomAD 0.00013; TOPMed 0.00021.
gnomAD v4.1: 69 of 1,613,866 alleles (0.0043%); highest among the groups gnomAD compares: African/African-American, 0.06%; no homozygotes.

Submissions (5):

Labcorp Genetics (formerly Invitae), Labcorp
Classification: Benign for Amyotrophic lateral sclerosis type 4; Spinocerebellar ataxia, autosomal recessive, with axonal neuropathy 2. Last evaluated: 2024-12-24. Review status: criteria provided, single submitter. Criteria: Invitae Variant Classification Sherloc (09022015). Collection method: clinical testing. Allele origin: germline.

Genome-Nilou Lab
Classification: Uncertain significance for Spinocerebellar ataxia, autosomal recessive, with axonal neuropathy 2. Last evaluated: 2023-02-08. Review status: criteria provided, single submitter. Criteria: ACMG Guidelines, 2015. Collection method: clinical testing. Allele origin: germline.

Genome-Nilou Lab
Classification: Likely benign for Amyotrophic lateral sclerosis type 4. Last evaluated: 2023-02-08. Review status: criteria provided, single submitter. Criteria: ACMG Guidelines, 2015. Collection method: clinical testing. Allele origin: germline.

Ambry Genetics
Classification: Uncertain significance for Inborn genetic diseases. Last evaluated: 2022-02-28. Review status: criteria provided, single submitter. Criteria: Ambry Variant Classification Scheme 2023. Collection method: clinical testing. Allele origin: germline.
Comment: The p.V2580I variant (also known as c.7738G>A), located in coding exon 24 of the SETX gene, results from a G to A substitution at nucleotide position 7738. The valine at codon 2580 is replaced by isoleucine, an amino acid with highly similar properties. This amino acid position is poorly conserved in available vertebrate species. In addition, this alteration is predicted to be tolerated by in silico analysis. Based on the supporting evidence, this variant is unlikely to be causative of amyotrophic lateral sclerosis 4 (ALS4); however, its contribution to the development of spinocerebellar ataxia with axonal neuropathy 2 (SCAN2) is uncertain.

Athena Diagnostics
Classification: Uncertain significance. Last evaluated: 2017-06-06. Review status: criteria provided, single submitter. Criteria: Athena Diagnostics Criteria. Collection method: clinical testing. Allele origin: germline.